The following is an entry in ClinVar:

ClinVar aggregate classification (germline): Pathogenic (1 of 4 stars; one submission).

Conditions:
Progressive muscular dystrophy. Identifiers: Orphanet 206644, MedGen C4551827, MONDO:0016106.

Submission:

Myriad Genetics, Inc.
Classification: Pathogenic for Progressive muscular dystrophy. Last evaluated: 2025-07-10. Review status: criteria provided, single submitter. Criteria: Myriad Autosomal Dominant, Autosomal Recessive and X-Linked Classification Criteria (2023). Collection method: clinical testing. Allele origin: unknown.
Comment: NM_004006.2(DMD):c.5611A>T(K1871*) is a nonsense variant classified as pathogenic in the context of dystrophinopathy (including Duchenne/Becker muscular dystrophy). K1871* has been observed in cases with relevant disease (PMID: 26743743, 23536893). Relevant functional assessments of this variant are not available in the literature. K1871* has not been observed in referenced population frequency databases. In summary, NM_004006.2(DMD):c.5611A>T(K1871*) is a nonsense variant that has been observed more frequently in cases with the relevant disease than in healthy populations. Please note: this variant was assessed in the context of healthy population screening.

Literature cited by the submitters: PubMed 23536893; PubMed 26743743.

NM_004006.3(DMD):c.5611A>T (p.Lys1871Ter)

Gene: DMD (dystrophin; minus strand). Cytogenetic location: Xp21.1.
Variant type: single nucleotide variant.
Coding change: c.5611A>T on transcript NM_004006.3 (MANE Select); coding-DNA position 5611, A replaced by T.
Protein change: p.Lys1871Ter; replaces lysine 1871 with a stop codon.
Molecular consequence: nonsense.
Genome position (GRCh38, 1-based): chrX:32,343,262, T>A on the plus strand (A>T on the coding strand, the complement: DMD is on the minus strand). VCF-style: chrX-32343262-T-A. GRCh37 (hg19) VCF-style: chrX-32361379-T-A.
Other names: c.5587A>T, p.Lys1863Ter (NM_000109.4); c.5599A>T, p.Lys1867Ter (NM_004009.3); c.5242A>T, p.Lys1748Ter (NM_004010.3); c.1588A>T, p.Lys530Ter (NM_004011.4); c.1579A>T, p.Lys527Ter (NM_004012.4); short protein forms K1748*, K1863*, K1867*, K1871*, K527*, K530*.
Identifiers: ClinVar variation 4081625 (VCV004081625.1), dbSNP rs1279143530.